The following is an entry in ClinVar:

NM_033380.3(COL4A5):c.4529-355C>T

Gene: COL4A5 (collagen type IV alpha 5 chain; plus strand). Cytogenetic location: Xq22.3.
Variant type: single nucleotide variant.
Coding change: c.4529-355C>T on transcript NM_033380.3 (MANE Select); 355 bases into the intron before coding-DNA position 4529, C replaced by T.
Molecular consequence: intron variant.
Genome position (GRCh38, 1-based): chrX:108,692,393, C>T. VCF-style: chrX-108692393-C-T. GRCh37 (hg19) VCF-style: chrX-107935623-C-T.
Other names: c.4511-355C>T (NM_000495.5).
Identifiers: ClinVar variation 3039764 (VCV003039764.2), dbSNP rs778315380, ClinGen allele CA334061321.

ClinVar aggregate classification (germline): Likely benign (0 of 4 stars; one submission).

Conditions:
COL4A5-related disorder. Also called: COL4A5-related condition.

Allele frequency attached by ClinVar (database versions not stated): 1000 Genomes Project 0.00079; 1000 Genomes Project 30x 0.00083; gnomAD 0.00091; TOPMed 0.00096.
gnomAD v4.1: 102 of 110,965 alleles (0.092%); highest among the groups gnomAD compares: African/African-American, 0.29%; no homozygotes.

Submission:

PreventionGenetics, part of Exact Sciences
Classification: Likely benign for COL4A5-related condition. Last evaluated: 2023-04-21. Review status: no assertion criteria provided. Collection method: clinical testing. Allele origin: germline.
Comment: This variant is classified as likely benign based on ACMG/AMP sequence variant interpretation guidelines (Richards et al. 2015 PMID: 25741868, with internal and published modifications).